The following is an entry in ClinVar:

NM_001368809.2(AMPD2):c.1505G>A (p.Arg502His)

Genes: AMPD2 (adenosine monophosphate deaminase 2; plus strand), LOC126805822 (BRD4-independent group 4 enhancer GRCh37_chr1:110170748-110171947; plus strand). Cytogenetic location: 1p13.3.
Variant type: single nucleotide variant.
Coding change: c.1505G>A on transcript NM_001368809.2 (MANE Select); coding-DNA position 1505, G replaced by A.
Protein change: p.Arg502His; replaces arginine 502 with histidine.
Molecular consequence: missense variant.
Genome position (GRCh38, 1-based): chr1:109,628,740, G>A. VCF-style: chr1-109628740-G-A. GRCh37 (hg19) VCF-style: chr1-110171362-G-A.
Other names: c.1667G>A, p.Arg556His (NM_001257360.2); c.1313G>A, p.Arg438His (NM_001257361.2); c.1442G>A, p.Arg481His (NM_001308170.1); c.1505G>A, p.Arg502His (NM_004037.9); c.1424G>A, p.Arg475His (NM_139156.4); short protein forms R438H, R475H, R556H, R481H, R502H.
Identifiers: ClinVar variation 2105117 (VCV002105117.1), dbSNP rs776302179, ClinGen allele CA993119.

ClinVar aggregate classification (germline): Uncertain significance (1 of 4 stars; one submission).

Conditions:
Pontocerebellar hypoplasia type 9. Identifiers: Orphanet 369920, MedGen C4014354, MONDO:0014351, OMIM 615809.
Hereditary spastic paraplegia 63. Also called: Spastic paraplegia 63, autosomal recessive. Identifiers: Orphanet 401805, MedGen C3810295, MONDO:0014305, OMIM 615686.

Allele frequency attached by ClinVar (database versions not stated): gnomAD 0.00005; TOPMed 0.00005.
gnomAD v4.1: 61 of 1,604,454 alleles (0.0038%); highest among the groups gnomAD compares: East Asian, 0.0068%; no homozygotes.

Submission:

Labcorp Genetics (formerly Invitae), Labcorp
Classification: Uncertain significance for Pontocerebellar hypoplasia type 9; Hereditary spastic paraplegia 63. Last evaluated: 2022-07-25. Review status: criteria provided, single submitter. Criteria: Invitae Variant Classification Sherloc (09022015). Collection method: clinical testing. Allele origin: germline.
Comment: This sequence change replaces arginine, which is basic and polar, with histidine, which is basic and polar, at codon 556 of the AMPD2 protein (p.Arg556His). This variant is present in population databases (rs776302179, gnomAD 0.01%). This variant has not been reported in the literature in individuals affected with AMPD2-related conditions. Algorithms developed to predict the effect of missense changes on protein structure and function output the following: SIFT: "Tolerated"; PolyPhen-2: "Possibly Damaging"; Align-GVGD: "Class C0". The histidine amino acid residue is found in multiple mammalian species, which suggests that this missense change does not adversely affect protein function. In summary, the available evidence is currently insufficient to determine the role of this variant in disease. Therefore, it has been classified as a Variant of Uncertain Significance.